The following is an entry in ClinVar:

ClinVar aggregate classification (germline): Uncertain significance (1 of 4 stars; one submission).

Allele frequency attached by ClinVar (database versions not stated): gnomAD exomes 0.00001 and 0.00002; ExAC 0.00002; gnomAD 0.00002; TOPMed 0.00004; ESP Exome Variant Server 0.00008.
gnomAD v4.1: 13 of 1,614,020 alleles (0.00081%); highest among the groups gnomAD compares: African/African-American, 0.004%; no homozygotes.

Submission:

Labcorp Genetics (formerly Invitae), Labcorp
Classification: Uncertain significance. Last evaluated: 2025-10-21. Review status: criteria provided, single submitter. Criteria: Invitae Variant Classification Sherloc (09022015). Collection method: clinical testing. Allele origin: germline.
Comment: This sequence change replaces phenylalanine, which is neutral and non-polar, with tyrosine, which is neutral and polar, at codon 481 of the NLRP1 protein (p.Phe481Tyr). This variant is present in population databases (rs146314527, gnomAD 0.007%). This variant has not been reported in the literature in individuals affected with NLRP1-related conditions. ClinVar contains an entry for this variant (Variation ID: 1403630). An algorithm developed to predict the effect of missense changes on protein structure and function (PolyPhen-2) suggests that this variant is likely to be disruptive. In summary, the available evidence is currently insufficient to determine the role of this variant in disease. Therefore, it has been classified as a Variant of Uncertain Significance.

NM_033004.4(NLRP1):c.1442T>A (p.Phe481Tyr)

Gene: NLRP1 (NLR family pyrin domain containing 1; minus strand). Cytogenetic location: 17p13.2.
Variant type: single nucleotide variant.
Coding change: c.1442T>A on transcript NM_033004.4 (MANE Select); coding-DNA position 1442, T replaced by A.
Protein change: p.Phe481Tyr; replaces phenylalanine 481 with tyrosine.
Molecular consequence: missense variant.
Genome position (GRCh38, 1-based): chr17:5,559,254, A>T on the plus strand (T>A on the coding strand, the complement: NLRP1 is on the minus strand). VCF-style: chr17-5559254-A-T. GRCh37 (hg19) VCF-style: chr17-5462574-A-T.
Other names: c.1442T>A, p.Phe481Tyr (NM_001033053.3, NM_014922.5, NM_033006.4 and 1 more transcripts); short protein forms F481Y.
Identifiers: ClinVar variation 1403630 (VCV001403630.8), dbSNP rs146314527, ClinGen allele CA8327365.
Genomic context (GRCh38, chr17:5,559,254, plus strand): 5'-ATTGCTTGCCTTTCATCTGTGAAATATCTGTAGAAATATTCCTTCCTGCTGGACTCAGAG[A>T]ACCCCAGGACCTCTACCCAACGTGCCTGCTCCAAAGAAGGAATGAGGTTCTGCAGAGCTG-3'
Protein context (NP_127497.1, residues 471-491): EQARWVEVLG[Phe481Tyr]SESSRKEYFY